The following is an entry in ClinVar:

ClinVar aggregate classification (germline): Uncertain significance (1 of 4 stars; one submission).

Conditions:
Intellectual developmental disorder, X-linked 104. Also called: Intellectual disability, X-linked 104. Identifiers: MedGen C4310817, MONDO:0010509, OMIM 300983.

Submission:

Pittsburgh Clinical Genomics Laboratory, University of Pittsburgh Medical Center
Classification: Uncertain significance for Intellectual developmental disorder, X-linked 104. Last evaluated: 2024-06-14. Review status: criteria provided, single submitter. Criteria: ACMG Guidelines, 2015. Collection method: clinical testing. Allele origin: germline. Inheritance: X-linked inheritance. Affected: yes.
Comment: This sequence variant is a single nucleotide substitution (G>C) at position 4793 of the coding sequence of the FRMPD4 gene that results in a serine to threonine amino acid change at residue 1598 of the FERM and PDZ domain containing 4 protein. This variant is absent from ClinVar and has not been observed in individuals affected by a FRMPD4-related disorder in the published literature, to our knowledge. This variant is present in 358 of 753925 alleles (0.0475%) in the gnomAD v4.1.0 population dataset. Bioinformatic tools are inconclusive if this amino acid change will be damaging or tolerated, and the Ser1598 residue at this position is highly conserved across the vertebrate species examined. Studies examining the functiol consequence of this variant have not been published, to our knowledge. At this time, there is insufficient evidence to determine if this variant is pathogenic or benign. Therefore, we consider this a variant of uncertain significance. ACMG Criteria:

NM_001368397.1(FRMPD4):c.4793G>C (p.Ser1598Thr)

Gene: FRMPD4 (FERM and PDZ domain containing 4; plus strand). Cytogenetic location: Xp22.2.
Variant type: single nucleotide variant.
Coding change: c.4793G>C on transcript NM_001368397.1 (MANE Select); coding-DNA position 4793, G replaced by C.
Protein change: p.Ser1598Thr; replaces serine 1598 with threonine.
Molecular consequence: missense variant. On other transcripts: 3 prime UTR variant (6).
Genome position (GRCh38, 1-based): chrX:12,721,362, G>C. VCF-style: chrX-12721362-G-C. GRCh37 (hg19) VCF-style: chrX-12739481-G-C.
Other names: c.4904G>C, p.Ser1635Thr (NM_001368395.3); c.4799G>C, p.Ser1600Thr (NM_001368396.3); c.*829G>C (NM_001368398.3, NM_001368399.3, NM_001368400.3 and 3 more transcripts); short protein forms S1598T, S1600T, S1635T.
Identifiers: ClinVar variation 3376229 (VCV003376229.1).